The following is an entry in ClinVar:

ClinVar aggregate classification (germline): Conflicting classifications of pathogenicity. Review status: criteria provided, conflicting classifications (1 of 4 stars). 2 submissions from 2 submitters: Likely pathogenic (1); Uncertain significance (1). Last evaluated 2025-01-01.

Conditions:
Childhood onset GLUT1 deficiency syndrome 2. Also called: PxMD-SLC2A1; Paroxysmal exercise-induced dystonia; PAROXYSMAL EXERCISE-INDUCED DYSKINESIA WITH OR WITHOUT EPILEPSY AND/OR HEMOLYTIC ANEMIA; PAROXYSMAL EXERTION-INDUCED DYSTONIA WITH OR WITHOUT EPILEPSY AND/OR HEMOLYTIC ANEMIA; PED WITH OR WITHOUT EPILEPSY AND/OR HEMOLYTIC ANEMIA; Exertion-induced paroxysmal dyskinesia. Identifiers: Orphanet 98811, MedGen C1842534, MONDO:0012805, OMIM 612126.
GLUT1 deficiency syndrome 1, autosomal recessive. Identifiers: MedGen C3149117.

Submissions (2):

Center of Human Genetics, Hôpital Erasme
Classification: Likely pathogenic for Childhood onset GLUT1 deficiency syndrome 2. Last evaluated: 2025-01-01. Review status: criteria provided, single submitter. Criteria: ACMG Guidelines, 2015. Collection method: clinical testing. Allele origin: de novo. Affected: yes.

Labcorp Genetics (formerly Invitae), Labcorp
Classification: Uncertain significance for GLUT1 deficiency syndrome 1, autosomal recessive. Last evaluated: 2024-06-03. Review status: criteria provided, single submitter. Criteria: Invitae Variant Classification Sherloc (09022015). Collection method: clinical testing. Allele origin: germline.
Comment: This sequence change replaces arginine, which is basic and polar, with proline, which is neutral and non-polar, at codon 51 of the SLC2A1 protein (p.Arg51Pro). This variant is not present in population databases (gnomAD no frequency). This missense change has been observed in individual(s) with autosomal dominant SLC2A1-related conditions (Invitae). ClinVar contains an entry for this variant (Variation ID: 471343). Advanced modeling of protein sequence and biophysical properties (such as structural, functional, and spatial information, amino acid conservation, physicochemical variation, residue mobility, and thermodynamic stability) performed at Invitae indicates that this missense variant is expected to disrupt SLC2A1 protein function with a positive predictive value of 95%. In summary, the available evidence is currently insufficient to determine the role of this variant in disease. Therefore, it has been classified as a Variant of Uncertain Significance.

NM_006516.4(SLC2A1):c.152G>C (p.Arg51Pro)

Gene: SLC2A1 (solute carrier family 2 member 1; minus strand). Cytogenetic location: 1p34.2.
Variant type: single nucleotide variant.
Coding change: c.152G>C on transcript NM_006516.4 (MANE Select); coding-DNA position 152, G replaced by C.
Protein change: p.Arg51Pro; replaces arginine 51 with proline.
Molecular consequence: missense variant.
Genome position (GRCh38, 1-based): chr1:42,931,169, C>G on the plus strand (G>C on the coding strand, the complement: SLC2A1 is on the minus strand). VCF-style: chr1-42931169-C-G. GRCh37 (hg19) VCF-style: chr1-43396840-C-G.
Other names: short protein forms R51P.
Identifiers: ClinVar variation 471343 (VCV000471343.10), dbSNP rs201815571, ClinGen allele CA339962418.
Genomic context (GRCh38, chr1:42,931,169, plus strand): 5'-ATGGCCACTGAGAGGGACCAGAGCGTGGTGAGCGTGGTGGGCAGGATGCTCTCCCCATAG[C>G]GGTGGACCCATGTCTGGTTGTAGAACTCCTCGATCACCTGCAGGGGGAGATGCAGCCTGG-3'
Protein context (NP_006507.2, residues 41-61): EEFYNQTWVH[Arg51Pro]YGESILPTTL